The following is an entry in ClinVar:

NM_014927.5(CNKSR2):c.1333G>C (p.Glu445Gln)

Gene: CNKSR2 (connector enhancer of kinase suppressor of Ras 2; plus strand). Cytogenetic location: Xp22.12.
Variant type: single nucleotide variant.
Coding change: c.1333G>C on transcript NM_014927.5 (MANE Select); coding-DNA position 1333, G replaced by C.
Protein change: p.Glu445Gln; replaces glutamic acid 445 with glutamine.
Molecular consequence: missense variant. On other transcripts: intron variant (4).
Genome position (GRCh38, 1-based): chrX:21,561,500, G>C. VCF-style: chrX-21561500-G-C. GRCh37 (hg19) VCF-style: chrX-21579618-G-C.
Other names: c.1333G>C, p.Glu445Gln (NM_001168648.3); c.1186G>C, p.Glu396Gln (NM_001168649.3, NM_001330770.2); c.1304-1738G>C (NM_001168647.3, NM_001330773.2); c.1157-1738G>C (NM_001330772.2, NM_001330771.2); short protein forms E445Q, E396Q.
Identifiers: ClinVar variation 930649 (VCV000930649.3), dbSNP rs2092188951, ClinGen allele CA412552451.
Genomic context (GRCh38, chrX:21,561,500, plus strand): 5'-ATGTGATGTGAACTTTGTTCTCTGTGTTTAGGCAAGCTACGACCTATATCTATGCCAGTG[G>C]AATATAATTGGGTGGGGGACTATGAAGATCCAAATAAGATGAAGAGAGATAGTAGAAGAG-3'
Protein context (NP_055742.2, residues 435-455): GKLRPISMPV[Glu445Gln]YNWVGDYEDP

ClinVar aggregate classification (germline): Uncertain significance (1 of 4 stars; one submission).

Conditions:
Intellectual developmental disorder, X-linked, syndromic, Houge type. Also called: MENTAL RETARDATION, X-LINKED, SYNDROMIC, HOUGE TYPE; Intellectual disability, X-linked, syndromic, Houge type. Identifiers: MedGen C4538788, MONDO:0030909, OMIM 301008.

Submission:

Centre for Mendelian Genomics, University Medical Centre Ljubljana
Classification: Uncertain significance for Intellectual developmental disorder, X-linked, syndromic, Houge type. Last evaluated: 2019-03-18. Review status: criteria provided, single submitter. Criteria: ACMG Guidelines, 2015. Collection method: clinical testing. Allele origin: unknown. Affected: yes.
Comment: This variant was classified as: Uncertain significance. The available evidence on this variant's pathogenicity is insufficient or conflicting. The following ACMG criteria were applied in classifying this variant: PM2,PP3. This variant was detected in hemizygous state.